The following is an entry in ClinVar:

NM_001330078.2(NRXN1):c.526G>C (p.Glu176Gln)

Gene: NRXN1 (neurexin 1; minus strand). Cytogenetic location: 2p16.3.
Variant type: single nucleotide variant.
Coding change: c.526G>C on transcript NM_001330078.2 (MANE Select); coding-DNA position 526, G replaced by C.
Protein change: p.Glu176Gln; replaces glutamic acid 176 with glutamine.
Molecular consequence: missense variant.
Genome position (GRCh38, 1-based): chr2:51,027,748, C>G on the plus strand (G>C on the coding strand, the complement: NRXN1 is on the minus strand). VCF-style: chr2-51027748-C-G. GRCh37 (hg19) VCF-style: chr2-51254886-C-G.
Other names: c.526G>C, p.Glu176Gln (NM_001135659.3, NM_001330077.2, NM_001330079.2 and 15 more transcripts); short protein forms E176Q.
Identifiers: ClinVar variation 1429082 (VCV001429082.8), dbSNP rs1055688829, ClinGen allele CA346823832.

ClinVar aggregate classification (germline): Uncertain significance (1 of 4 stars; one submission).

Conditions:
Pitt-Hopkins-like syndrome 2 (PTHSL2). Identifiers: Orphanet 221150, Orphanet 600663, MedGen C3280479, MONDO:0013690, OMIM 614325.

Submission:

Labcorp Genetics (formerly Invitae), Labcorp
Classification: Uncertain significance for Pitt-Hopkins-like syndrome 2. Last evaluated: 2023-11-27. Review status: criteria provided, single submitter. Criteria: Invitae Variant Classification Sherloc (09022015). Collection method: clinical testing. Allele origin: germline.
Comment: This sequence change replaces glutamic acid, which is acidic and polar, with glutamine, which is neutral and polar, at codon 176 of the NRXN1 protein (p.Glu176Gln). This variant is not present in population databases (gnomAD no frequency). This variant has not been reported in the literature in individuals affected with NRXN1-related conditions. ClinVar contains an entry for this variant (Variation ID: 1429082). An algorithm developed to predict the effect of missense changes on protein structure and function (PolyPhen-2) suggests that this variant is likely to be tolerated. In summary, the available evidence is currently insufficient to determine the role of this variant in disease. Therefore, it has been classified as a Variant of Uncertain Significance.